The following is an entry in ClinVar:

NM_017763.6(RNF43):c.1750C>G (p.Arg584Gly)

Gene: RNF43 (ring finger protein 43; minus strand). Cytogenetic location: 17q22.
Variant type: single nucleotide variant.
Coding change: c.1750C>G on transcript NM_017763.6 (MANE Select); coding-DNA position 1750, C replaced by G.
Protein change: p.Arg584Gly; replaces arginine 584 with glycine.
Molecular consequence: missense variant.
Genome position (GRCh38, 1-based): chr17:58,358,026, G>C on the plus strand (C>G on the coding strand, the complement: RNF43 is on the minus strand). VCF-style: chr17-58358026-G-C. GRCh37 (hg19) VCF-style: chr17-56435387-G-C.
Other names: c.1750C>G, p.Arg584Gly (NM_001305544.3); c.1369C>G, p.Arg457Gly (NM_001305545.2); short protein forms R584G, R457G.
Identifiers: ClinVar variation 3789880 (VCV003789880.1).

ClinVar aggregate classification (germline): Uncertain significance (1 of 4 stars; one submission).

Submission:

Ambry Genetics
Classification: Uncertain significance. Last evaluated: 2025-01-03. Review status: criteria provided, single submitter. Criteria: Ambry Variant Classification Scheme 2023. Collection method: clinical testing. Allele origin: germline.
Comment: The p.R584G variant (also known as c.1750C>G), located in coding exon 8 of the RNF43 gene, results from a C to G substitution at nucleotide position 1750. The arginine at codon 584 is replaced by glycine, an amino acid with dissimilar properties. This amino acid position is conserved. In addition, this alteration is predicted to be tolerated by in silico analysis. Based on the available evidence, the clinical significance of this variant remains unclear.